The following is an entry in ClinVar:

ClinVar aggregate classification (germline): Likely pathogenic (1 of 4 stars; one submission).

Conditions:
Hereditary cancer-predisposing syndrome. Also called: Tumor predisposition; Hereditary neoplastic syndrome; Hereditary Cancer Syndrome; Neoplastic Syndromes, Hereditary. Identifiers: Orphanet 140162, MedGen C0027672, MeSH D009386, MONDO:0015356.

Submission:

Ambry Genetics
Classification: Likely pathogenic for Hereditary cancer-predisposing syndrome. Last evaluated: 2024-03-06. Review status: criteria provided, single submitter. Criteria: Ambry Variant Classification Scheme 2023. Collection method: clinical testing. Allele origin: germline.
Comment: The c.2033_2057dup25 variant, located in coding exon 15 of the APC gene, results from a duplication of 25 nucleotides at nucleotide positions 2033 to 2057, causing a translational frameshift with a predicted alternate stop codon (p.N686Kfs*2). This alteration occurs at the 3' terminus of theAPC gene, is not expected to trigger nonsense-mediated mRNA decay, and only impacts the last 75.9% of the protein. However, premature stop codons are typically deleterious in nature and the impacted region is critical for protein function (Ambry internal data). This variant is considered to be rare based on population cohorts in the Genome Aggregation Database (gnomAD). Based on the majority of available evidence to date, this variant is likely to be pathogenic.

NM_000038.6(APC):c.2033_2057dup (p.Asn686delinsLysTer)

Gene: APC (APC regulator of Wnt signaling pathway; plus strand). Cytogenetic location: 5q22.2.
Variant type: Duplication.
Coding change: c.2033_2057dup on transcript NM_000038.6 (MANE Select); coding-DNA positions 2033 to 2057, 25 bases duplicated (GTAATGCATGTGGAACTTTGTGGAA).
Protein change: p.Asn686delinsLysTer.
Molecular consequence: nonsense. On other transcripts: non-coding transcript variant (2).
Genome position (GRCh38, 1-based): chr5:112,837,627-112,837,651, GTAATGCATGTGGAACTTTGTGGAA duplicated; duplicating any 25 consecutive bases within chr5:112,837,626-112,837,651 gives the same sequence; the c. name uses the placement nearest the transcript's 3' end. VCF-style (leftmost placement, unchanged base first): chr5-112837625-C-CAGTAATGCATGTGGAACTTTGTGGA. GRCh37 (hg19) VCF-style: chr5-112173322-C-CAGTAATGCATGTGGAACTTTGTGGA.
Other names: c.2033_2057dup, p.Asn686delinsLysTer (NM_001127510.3, NM_001354895.2, NM_001407450.1); c.1979_2003dup, p.Asn668delinsLysTer (NM_001127511.3); c.2087_2111dup, p.Asn704delinsLysTer (NM_001354896.2, NM_001407447.1, NM_001407448.1 and 1 more transcripts); c.2063_2087dup, p.Asn696delinsLysTer (NM_001354897.2); c.1958_1982dup, p.Asn661delinsLysTer (NM_001354898.2); c.1949_1973dup, p.Asn658delinsLysTer (NM_001354899.2); c.1910_1934dup, p.Asn645delinsLysTer (NM_001354900.2); c.1856_1880dup, p.Asn627delinsLysTer (NM_001354901.2, NM_001407453.1); and 11 more.
Identifiers: ClinVar variation 3223016 (VCV003223016.1), dbSNP rs2533392380, ClinGen allele CA2825001369.